The following is an entry in ClinVar:

NM_001394998.1(TANC2):c.4495T>C (p.Tyr1499His)

Gene: TANC2 (tetratricopeptide repeat, ankyrin repeat and coiled-coil containing 2; plus strand). Cytogenetic location: 17q23.3.
Variant type: single nucleotide variant.
Coding change: c.4495T>C on transcript NM_001394998.1 (MANE Select); coding-DNA position 4495, T replaced by C.
Protein change: p.Tyr1499His; replaces tyrosine 1499 with histidine.
Molecular consequence: missense variant.
Genome position (GRCh38, 1-based): chr17:63,420,225, T>C. VCF-style: chr17-63420225-T-C. GRCh37 (hg19) VCF-style: chr17-61497586-T-C.
Other names: c.4273T>C, p.Tyr1425His (NM_001411076.1); c.4243T>C, p.Tyr1415His (NM_025185.4); short protein forms Y1415H, Y1425H, Y1499H.
Identifiers: ClinVar variation 4873557 (VCV004873557.2).

ClinVar aggregate classification (germline): Likely benign (1 of 4 stars; one submission).

gnomAD v4.1: 4 of 1,611,462 alleles (0.00025%); highest among the groups gnomAD compares: Non-Finnish European, 0.00034%; no homozygotes.

Submission:

CeGaT Center for Human Genetics Tuebingen
Classification: Likely benign. Last evaluated: 2026-06-01. Review status: criteria provided, single submitter. Criteria: CeGaT Center For Human Genetics Tuebingen Variant Classification Criteria Version 2. Collection method: clinical testing. Allele origin: germline. Affected: yes. Observed: 1 variant allele.
Comment: TANC2: BS2